The following is an entry in ClinVar:

NM_000021.4(PSEN1):c.1142T>A (p.Leu381His)

Gene: PSEN1 (presenilin 1; plus strand). Cytogenetic location: 14q24.2.
Variant type: single nucleotide variant.
Coding change: c.1142T>A on transcript NM_000021.4 (MANE Select); coding-DNA position 1142, T replaced by A.
Protein change: p.Leu381His; replaces leucine 381 with histidine.
Molecular consequence: missense variant.
Genome position (GRCh38, 1-based): chr14:73,217,138, T>A. VCF-style: chr14-73217138-T-A. GRCh37 (hg19) VCF-style: chr14-73683846-T-A.
Other names: c.1130T>A, p.Leu377His (NM_007318.3); short protein forms L377H, L381H.
Identifiers: ClinVar variation 3045412 (VCV003045412.2), dbSNP rs2503026499, ClinGen allele CA390305718.
Genomic context (GRCh38, chr14:73,217,138, plus strand): 5'-TAGCAAAGAGTGACCAACTTTTTAATATTTGTAACCTTTCCTTTTTAGGGGGAGTAAAAC[T>A]TGGATTGGGAGATTTCATTTTCTACAGTGTTCTGGTTGGTAAAGCCTCAGCAACAGCCAG-3'
Protein context (NP_000012.1, residues 371-391): GEDPEERGVK[Leu381His]GLGDFIFYSV

ClinVar aggregate classification (germline): Uncertain significance (0 of 4 stars; one submission).

Conditions:
PSEN1-related disorder. Also called: PSEN1-related condition.

Submission:

PreventionGenetics, part of Exact Sciences
Classification: Uncertain significance for PSEN1-related condition. Last evaluated: 2024-01-11. Review status: no assertion criteria provided. Collection method: clinical testing. Allele origin: germline.
Comment: The PSEN1 c.1142T>A variant is predicted to result in the amino acid substitution p.Leu381His. To our knowledge, this variant has not been reported in the literature or in a large population database, indicating this variant is rare. Of note, different variants impacting the same amino acid (p.Leu381Val and p.Leu381Phe) have been reported in patients with PSEN1-related disorders (Dintchov et al. 2009. PubMed ID: 19797784; Chen et al. 2021. PubMed ID: 34776449; Dolzhanskaya et al. 2014. PubMed ID: 24121961). Although we suspect that the c.1142T>A (p.Leu381His) variant may be pathogenic, at this time, the clinical significance of this variant is uncertain due to the absence of conclusive functional and genetic evidence.